The following is an entry in ClinVar:

NM_004958.4(MTOR):c.1571T>G (p.Leu524Arg)

Gene: MTOR (mechanistic target of rapamycin kinase; minus strand). Cytogenetic location: 1p36.22.
Variant type: single nucleotide variant.
Coding change: c.1571T>G on transcript NM_004958.4 (MANE Select); coding-DNA position 1571, T replaced by G.
Protein change: p.Leu524Arg; replaces leucine 524 with arginine.
Molecular consequence: missense variant.
Genome position (GRCh38, 1-based): chr1:11,240,518, A>C on the plus strand (T>G on the coding strand, the complement: MTOR is on the minus strand). VCF-style: chr1-11240518-A-C. GRCh37 (hg19) VCF-style: chr1-11300575-A-C.
Other names: c.1571T>G, p.Leu524Arg (NM_001386500.1); c.323T>G, p.Leu108Arg (NM_001386501.1); short protein forms L108R, L524R.
Identifiers: ClinVar variation 1039480 (VCV001039480.8), dbSNP rs1647864863, ClinGen allele CA338393444.

ClinVar aggregate classification (germline): Uncertain significance (1 of 4 stars; one submission).

Submission:

Labcorp Genetics (formerly Invitae), Labcorp
Classification: Uncertain significance. Last evaluated: 2021-03-19. Review status: criteria provided, single submitter. Criteria: Invitae Variant Classification Sherloc (09022015). Collection method: clinical testing. Allele origin: germline.
Comment: This sequence change replaces leucine with arginine at codon 524 of the MTOR protein (p.Leu524Arg). The leucine residue is highly conserved and there is a moderate physicochemical difference between leucine and arginine. In summary, the available evidence is currently insufficient to determine the role of this variant in disease. Therefore, it has been classified as a Variant of Uncertain Significance. Algorithms developed to predict the effect of missense changes on protein structure and function (SIFT, PolyPhen-2, Align-GVGD) all suggest that this variant is likely to be disruptive, but these predictions have not been confirmed by published functional studies and their clinical significance is uncertain. This variant has not been reported in the literature in individuals with MTOR-related conditions. This variant is not present in population databases (ExAC no frequency).